The following is an entry in ClinVar:

NM_024685.4(BBS10):c.793C>T (p.Gln265Ter)

Gene: BBS10 (Bardet-Biedl syndrome 10; minus strand). Cytogenetic location: 12q21.2.
Variant type: single nucleotide variant.
Coding change: c.793C>T on transcript NM_024685.4 (MANE Select); coding-DNA position 793, C replaced by T.
Protein change: p.Gln265Ter; replaces glutamine 265 with a stop codon.
Molecular consequence: nonsense.
Genome position (GRCh38, 1-based): chr12:76,347,192, G>A on the plus strand (C>T on the coding strand, the complement: BBS10 is on the minus strand). VCF-style: chr12-76347192-G-A. GRCh37 (hg19) VCF-style: chr12-76740972-G-A.
Other names: c.793C>T (NM_024685.3); short protein forms Q265*.
Identifiers: ClinVar variation 1432412 (VCV001432412.9), dbSNP rs775090151, ClinGen allele CA239332225.

ClinVar aggregate classification (germline): Pathogenic/Likely pathogenic. Review status: criteria provided, multiple submitters, no conflicts (2 of 4 stars). 4 submissions from 4 submitters: Pathogenic (1); Likely pathogenic (3). Last evaluated 2024-05-16.

Conditions:
Bardet-Biedl syndrome (BBS). Identifiers: Orphanet 110, MedGen C0752166, MONDO:0015229.
Bardet-Biedl syndrome 10 (BBS10). Identifiers: Orphanet 110, MedGen C1859568, MONDO:0014438, OMIM 615987.

Allele frequency attached by ClinVar (database versions not stated): TOPMed 0.00001.

Submissions (4):

Natera, Inc.
Classification: Likely pathogenic for Bardet-Biedl syndrome type 10. Last evaluated: 2024-05-16. Review status: criteria provided, single submitter. Criteria: Natera Variant Classification Schema (03/2026). Collection method: clinical testing. Allele origin: germline.
Comment: The c.793C>T variant in BBS10 is a nonsense variant predicted to introduce a stop codon at amino acid 265. This variant is expected to result in nonsense mediated decay, truncation, or a dysfunctional protein product. This variant is rare in the general population with a frequency below the threshold expected for the associated phenotype(s). Given the available evidence, this variant is classified as Likely Pathogenic.

Fulgent Genetics
Classification: Likely pathogenic for Bardet-Biedl syndrome 10. Last evaluated: 2024-04-16. Review status: criteria provided, single submitter. Criteria: ACMG Guidelines, 2015. Collection method: clinical testing. Allele origin: germline.

Labcorp Genetics (formerly Invitae), Labcorp
Classification: Pathogenic for Bardet-Biedl syndrome. Last evaluated: 2023-09-08. Review status: criteria provided, single submitter. Criteria: Invitae Variant Classification Sherloc (09022015). Collection method: clinical testing. Allele origin: germline.
Comment: This sequence change creates a premature translational stop signal (p.Gln265*) in the BBS10 gene. While this is not anticipated to result in nonsense mediated decay, it is expected to disrupt the last 459 amino acid(s) of the BBS10 protein. For these reasons, this variant has been classified as Pathogenic. This variant disrupts a region of the BBS10 protein in which other variant(s) (p.Val707*) have been determined to be pathogenic (PMID: 20472660, 22773737, 25982971, 27486776). This suggests that this is a clinically significant region of the protein, and that variants that disrupt it are likely to be disease-causing. ClinVar contains an entry for this variant (Variation ID: 1432412). This variant has not been reported in the literature in individuals affected with BBS10-related conditions. This variant is not present in population databases (gnomAD no frequency).

Baylor Genetics
Classification: Likely pathogenic for Bardet-Biedl syndrome 10. Last evaluated: 2022-01-02. Review status: criteria provided, single submitter. Criteria: ACMG Guidelines, 2015. Collection method: clinical testing. Allele origin: unknown.

Literature cited by the submitters: PubMed 20472660 (cited by Labcorp Genetics (formerly Invitae), Labcorp); PubMed 22773737 (cited by Labcorp Genetics (formerly Invitae), Labcorp); PubMed 25982971 (cited by Labcorp Genetics (formerly Invitae), Labcorp); PubMed 27486776 (cited by Labcorp Genetics (formerly Invitae), Labcorp).